The following is an entry in ClinVar:

NM_007194.4(CHEK2):c.655_659del (p.Glu219fs)

Gene: CHEK2 (checkpoint kinase 2; minus strand). Cytogenetic location: 22q12.1.
Variant type: Deletion.
Coding change: c.655_659del on transcript NM_007194.4 (MANE Select); coding-DNA positions 655 to 659, 5 bases deleted (GAATA; older notation c.655_659delGAATA).
Protein change: p.Glu219fs; shifts the reading frame from glutamic acid 219.
Molecular consequence: frameshift variant. On other transcripts: 5 prime UTR variant (2), intron variant (1).
Genome position (GRCh38, 1-based): chr22:28,719,419-28,719,423, TATTC deleted on the plus strand (GAATA on the coding strand, the reverse complement: CHEK2 is on the minus strand). VCF-style (leftmost placement, unchanged base first): chr22-28719418-GTATTC-G. GRCh37 (hg19) VCF-style: chr22-29115406-GTATTC-G.
Other names: c.784_788del, p.Glu262fs (NM_001005735.3, NM_001438294.1); c.-9_-5del (NM_001257387.3, NM_001437942.1); c.748_752del, p.Glu250fs (NM_001438293.1, NM_001438295.1); c.655_659del, p.Glu219fs (NM_145862.3); c.482+5463_482+5467del (NM_001349956.3); short protein forms E262fs, E219fs, E250fs.
Identifiers: ClinVar variation 918219 (VCV000918219.3), dbSNP rs2053691493, ClinGen allele CA913189022.

ClinVar aggregate classification (germline): Pathogenic (1 of 4 stars; one submission).

Conditions:
Hereditary cancer-predisposing syndrome. Also called: Tumor predisposition; Hereditary neoplastic syndrome; Hereditary Cancer Syndrome; Neoplastic Syndromes, Hereditary. Identifiers: Orphanet 140162, MedGen C0027672, MeSH D009386, MONDO:0015356.

Submission:

Color Diagnostics, LLC DBA Color Health
Classification: Pathogenic for Hereditary cancer-predisposing syndrome. Last evaluated: 2020-01-15. Review status: criteria provided, single submitter. Criteria: ACMG Guidelines, 2015. Collection method: clinical testing. Allele origin: germline.
Comment: This variant deletes 5 nucleotides in exon 5 of the CHEK2 gene, creating a frameshift and premature translation stop signal. This variant is expected to result in an absent or non-functional protein product. This variant has not been identified in the general population by the Genome Aggregation Database (gnomAD). Loss of CHEK2 function is a known mechanism of disease. Based on the available evidence, this variant is classified as Pathogenic.